The following is an entry in ClinVar:

ClinVar aggregate classification (germline): Pathogenic (1 of 4 stars; one submission).

Conditions:
Breast-ovarian cancer, familial, susceptibility to, 1 (BROVCA1). Also called: BRCA1 Hereditary Breast and Ovarian Cancer; OVARIAN CANCER, SUSCEPTIBILITY TO. Identifiers: Orphanet 145, MedGen C2676676, MONDO:0011450, OMIM 604370. Disease mechanism: loss of function.

Submission:

Myriad Genetics, Inc.
Classification: Pathogenic for Breast-ovarian cancer, familial, susceptibility to, 1. Last evaluated: 2023-04-18. Review status: criteria provided, single submitter. Criteria: Myriad Autosomal Dominant, Autosomal Recessive and X-Linked Classification Criteria (2023). Collection method: clinical testing. Allele origin: unknown.
Comment: This variant is considered pathogenic. This variant creates a termination codon and is predicted to result in premature protein truncation.

NM_007294.4(BRCA1):c.4317dup (p.Glu1440Ter)

Gene: BRCA1 (BRCA1 DNA repair associated; minus strand). Cytogenetic location: 17q21.31.
Variant type: Duplication.
Coding change: c.4317dup on transcript NM_007294.4 (MANE Select); coding-DNA position 4317, one base duplicated (T; older notation c.4317dupT).
Protein change: p.Glu1440Ter; replaces glutamic acid 1440 with a stop codon.
Molecular consequence: nonsense. On other transcripts: frameshift variant (1).
Genome position (GRCh38, 1-based): chr17:43,082,444, A duplicated on the plus strand (T on the coding strand, the reverse complement: BRCA1 is on the minus strand); the first of 2 consecutive A bases (chr17:43,082,444-43,082,445); duplicating either gives the same sequence. VCF-style (leftmost placement, unchanged base first): chr17-43082443-C-CA. GRCh37 (hg19) VCF-style: chr17-41234460-C-CA.
Other names: c.765dup, p.Glu256Ter (NM_001408495.1); c.744dup, p.Glu249Ter (NM_001408496.1, NM_001408497.1, NM_001408498.1 and 3 more transcripts); c.675dup, p.Glu226Ter (NM_001408502.1); c.741dup, p.Glu248Ter (NM_001408503.1, NM_001408504.1, NM_001408505.1); c.681dup, p.Glu228Ter (NM_001408506.1); c.678dup, p.Glu227Ter (NM_001408507.1); c.669dup, p.Glu224Ter (NM_001408508.1, NM_001408509.1); c.627dup, p.Glu210Ter (NM_001408510.1); and 52 more; short protein forms E1144*, E1271*, E1312*, E1313*, E1327*, E1328*, E1329*, E1350*.
Identifiers: ClinVar variation 2573280 (VCV002573280.1), dbSNP rs2551899288, ClinGen allele CA2580612615.
Genomic context (GRCh38, chr17:43,082,443, plus strand): 5'-TGTTTGGCCAACAATACACACCTTTTTCTGATGTGCTTTGTTCTGGATTTCGCAGGTCCT[C>CA]AAGGGCAGAAGAGTCACTTATGATGGAAGGGTAGCTGTTAGAAGGCTGGCTCCCATGCTG-3'